The following is an entry in ClinVar:

ClinVar aggregate classification (germline): Likely pathogenic (1 of 4 stars; one submission).

Conditions:
Dilated cardiomyopathy 1G (CMD1G). Identifiers: Orphanet 154, MedGen C1858763, MONDO:0011400, OMIM 604145.
Autosomal recessive limb-girdle muscular dystrophy type 2J (LGMDR10). Also called: Limb-girdle muscular dystrophy, type 2J; MUSCULAR DYSTROPHY, LIMB-GIRDLE, AUTOSOMAL RECESSIVE 10. Identifiers: Orphanet 140922, MedGen C1837342, MONDO:0012127, OMIM 608807.

Submission:

Labcorp Genetics (formerly Invitae), Labcorp
Classification: Likely pathogenic for Dilated cardiomyopathy 1G; Autosomal recessive limb-girdle muscular dystrophy type 2J. Last evaluated: 2024-09-05. Review status: criteria provided, single submitter. Criteria: Invitae Variant Classification Sherloc (09022015). Collection method: clinical testing. Allele origin: germline.
Comment: This sequence change creates a premature translational stop signal (p.Val1964Lysfs*3) in the TTN gene. While this is not anticipated to result in nonsense mediated decay, it is expected to create a truncated TTN protein. This variant is not present in population databases (gnomAD no frequency). This variant has not been reported in the literature in individuals affected with TTN-related conditions. ClinVar contains an entry for this variant (Variation ID: 934621). This variant is located in the Z band of TTN (PMID: 25589632). Truncating variants in this region have been reported in individuals affected with autosomal recessive centronuclear myopathy (PMID: 33449170, internal data). Truncating variants in this region have also been identified in individuals affected with autosomal dominant dilated cardiomyopathy and/or cardio-related conditions (PMID: 27869827, 32964742, internal data). In summary, the currently available evidence indicates that the variant is pathogenic, but additional data are needed to prove that conclusively. Therefore, this variant has been classified as Likely Pathogenic.

Literature cited by the submitters: PubMed 25589632; PubMed 33449170; PubMed 27869827; PubMed 32964742.

NM_001267550.2(TTN):c.5889_5922del (p.Val1964fs)

Gene: TTN (titin; minus strand). Cytogenetic location: 2q31.2.
Variant type: Deletion.
Coding change: c.5889_5922del on transcript NM_001267550.2 (MANE Select); coding-DNA positions 5889 to 5922, 34 bases deleted.
Protein change: p.Val1964fs; shifts the reading frame from valine 1964.
Molecular consequence: frameshift variant.
Genome position (GRCh38, 1-based): chr2:178,775,942-178,775,975, 34 bases deleted; deleting any 34 consecutive bases within chr2:178,775,942-178,775,978 gives the same sequence; the c. name uses the placement nearest the transcript's 3' end. GRCh37 (hg19): chr2:179,640,672-179,640,705.
Other names: c.5889_5922del, p.Val1964fs (NM_001256850.1, NM_133378.4, NM_133379.5); c.5751_5784del, p.Val1918fs (NM_003319.4, NM_133432.3, NM_133437.4); short protein forms V1918fs, V1964fs.
Identifiers: ClinVar variation 934621 (VCV000934621.10), dbSNP rs2092170508, ClinGen allele CA1139657529.